The following is an entry in ClinVar:

ClinVar aggregate classification (germline): Uncertain significance (1 of 4 stars; one submission).

Conditions:
Developmental and epileptic encephalopathy 91. Also called: EPILEPTIC ENCEPHALOPATHY, INFANTILE OR EARLY CHILDHOOD, 1. Identifiers: MedGen C4540199, MONDO:0020630, OMIM 617711.

Submission:

Neuberg Centre For Genomic Medicine, NCGM
Classification: Uncertain significance for Developmental and epileptic encephalopathy 91. Review status: criteria provided, single submitter. Criteria: ACMG Guidelines, 2015. Collection method: clinical testing. Allele origin: germline. Inheritance: Autosomal dominant inheritance. Affected: yes.
Comment: The observed missense c.1513T>C (p.Ser505Pro) variant in PPP3CA gene has not been reported previously as a pathogenic variant nor as a benign variant, to our knowledge. The p.Ser505Pro variant is absent in gnomAD Exomes. This variant has not been submitted to the ClinVar database. The amino acid change p.Ser505Pro in PPP3CA is predicted as conserved by GERP++ and PhyloP across 100 vertebrates. The amino acid Ser at position 505 is changed to a Pro changing protein sequence and it might alter its composition and physico-chemical properties. For these reasons, this variant has been classified as Variant of Uncertain Significance (VUS).

NM_000944.5(PPP3CA):c.1513T>C (p.Ser505Pro)

Gene: PPP3CA (protein phosphatase 3 catalytic subunit alpha; minus strand). Cytogenetic location: 4q24.
Variant type: single nucleotide variant.
Coding change: c.1513T>C on transcript NM_000944.5 (MANE Select); coding-DNA position 1513, T replaced by C.
Protein change: p.Ser505Pro; replaces serine 505 with proline.
Molecular consequence: missense variant.
Genome position (GRCh38, 1-based): chr4:101,025,918, A>G on the plus strand (T>C on the coding strand, the complement: PPP3CA is on the minus strand). VCF-style: chr4-101025918-A-G. GRCh37 (hg19) VCF-style: chr4-101947075-A-G.
Other names: c.1483T>C, p.Ser495Pro (NM_001130691.2); c.1357T>C, p.Ser453Pro (NM_001130692.2); short protein forms S453P, S495P, S505P.
Identifiers: ClinVar variation 2664226 (VCV002664226.2), dbSNP rs2476197170, ClinGen allele CA357947528.